The following is an entry in ClinVar:

NM_000426.4(LAMA2):c.4944C>T (p.Asn1648=)

Gene: LAMA2 (laminin subunit alpha 2; plus strand). Cytogenetic location: 6q22.33.
Variant type: single nucleotide variant.
Coding change: c.4944C>T on transcript NM_000426.4 (MANE Select); coding-DNA position 4944, C replaced by T.
Protein change: p.Asn1648=; no amino-acid change (asparagine 1648 retained).
Molecular consequence: synonymous variant.
Genome position (GRCh38, 1-based): chr6:129,369,975, C>T. VCF-style: chr6-129369975-C-T. GRCh37 (hg19) VCF-style: chr6-129691120-C-T.
Other names: p.Asn1648=; c.4944C>T, p.Asn1648= (NM_001079823.2).
Identifiers: ClinVar variation 355272 (VCV000355272.19), dbSNP rs111632017, ClinGen allele CA3993724.

ClinVar aggregate classification (germline): Conflicting classifications of pathogenicity. Review status: criteria provided, conflicting classifications (1 of 4 stars). 5 submissions from 5 submitters: Uncertain significance (1); Likely benign (3). 1 of the submissions does not count toward it. Last evaluated 2026-01-18.

Conditions:
LAMA2-related disorder. Also called: LAMA2-related disorders; LAMA2-related condition.
Congenital muscular dystrophy due to partial LAMA2 deficiency. Identifiers: MedGen C1842898.
LAMA2-related muscular dystrophy (LAMA2-RD). Also called: Laminin alpha 2-related dystrophy. Identifiers: MedGen C5679788, MONDO:0100228.

Allele frequency attached by ClinVar (database versions not stated): gnomAD exomes 0.00008 and 0.00011; ExAC 0.00013; TOPMed 0.00033; gnomAD 0.00036 and 0.00037; ESP Exome Variant Server 0.00062.
gnomAD v4.1: 203 of 1,613,918 alleles (0.013%); highest among the groups gnomAD compares: African/African-American, 0.1%; 3 homozygotes.

Submissions (5):

Labcorp Genetics (formerly Invitae), Labcorp
Classification: Likely benign for LAMA2-related muscular dystrophy. Last evaluated: 2026-01-18. Review status: criteria provided, single submitter. Criteria: Invitae Variant Classification Sherloc (09022015). Collection method: clinical testing. Allele origin: germline.

Mayo Clinic Laboratories, Mayo Clinic
Classification: Likely benign. Last evaluated: 2025-03-26. Review status: criteria provided, single submitter. Criteria: ACMG Guidelines, 2015. Collection method: clinical testing. Allele origin: germline. Observed: 1 variant allele.
Comment: BP4, BP7

Blueprint Genetics
Classification: Likely benign. Last evaluated: 2024-11-14. Review status: criteria provided, single submitter. Criteria: ACMG Guidelines, 2015. Collection method: clinical testing. Allele origin: germline.

Illumina Laboratory Services, Illumina
Classification: Uncertain significance for Congenital muscular dystrophy due to partial LAMA2 deficiency. Last evaluated: 2018-01-13. Review status: criteria provided, single submitter. Criteria: ICSL Variant Classification Criteria 13 December 2019. Collection method: clinical testing. Allele origin: germline.

PreventionGenetics, part of Exact Sciences
Classification: Likely benign for LAMA2-related condition. Last evaluated: 2020-11-23. Review status: no assertion criteria provided. Collection method: clinical testing. Allele origin: germline. Not counted in ClinVar's aggregate classification.
Comment: This variant is classified as likely benign based on ACMG/AMP sequence variant interpretation guidelines (Richards et al. 2015 PMID: 25741868, with internal and published modifications).